The following is an entry in ClinVar:

ClinVar aggregate classification (germline): Benign. Review status: criteria provided, multiple submitters, no conflicts (2 of 4 stars). 2 submissions from 2 submitters: Benign (2). Last evaluated 2024-11-01.

Allele frequency attached by ClinVar (database versions not stated): gnomAD 0.00027 and 0.00028; TOPMed 0.00033; ExAC 0.00037; gnomAD exomes 0.00052; ESP Exome Variant Server 0.00054.
gnomAD v4.1: 473 of 1,612,152 alleles (0.029%); highest among the groups gnomAD compares: Non-Finnish European, 0.0085%; 2 homozygotes.

Submissions (2):

CeGaT Center for Human Genetics Tuebingen
Classification: Benign. Last evaluated: 2024-11-01. Review status: criteria provided, single submitter. Criteria: CeGaT Center For Human Genetics Tuebingen Variant Classification Criteria Version 2. Collection method: clinical testing. Allele origin: germline. Affected: yes. Observed: 4 variant alleles.
Comment: CNTN6: BS1, BS2

Labcorp Genetics (formerly Invitae), Labcorp
Classification: Benign. Last evaluated: 2019-12-31. Review status: criteria provided, single submitter. Criteria: Invitae Variant Classification Sherloc (09022015). Collection method: clinical testing. Allele origin: germline.

NM_001289080.2(CNTN6):c.403C>T (p.Arg135Ter)

Gene: CNTN6 (contactin 6; plus strand). Cytogenetic location: 3p26.3.
Variant type: single nucleotide variant.
Coding change: c.403C>T on transcript NM_001289080.2 (MANE Select); coding-DNA position 403, C replaced by T.
Protein change: p.Arg135Ter; replaces arginine 135 with a stop codon.
Molecular consequence: nonsense. On other transcripts: 5 prime UTR variant (4).
Genome position (GRCh38, 1-based): chr3:1,278,457, C>T. VCF-style: chr3-1278457-C-T. GRCh37 (hg19) VCF-style: chr3-1320141-C-T.
Other names: c.187C>T, p.Arg63Ter (NM_001289081.2); c.403C>T, p.Arg135Ter (NM_001349350.2, NM_001349351.2, NM_001349352.2 and 7 more transcripts); c.-535C>T (NM_001349359.2); c.-413C>T (NM_001349360.2); c.-715C>T (NM_001349361.2); c.-617C>T (NM_001349362.2); short protein forms R63*, R135*.
Identifiers: ClinVar variation 758226 (VCV000758226.28), dbSNP rs143789454, ClinGen allele CA2225740.